The following is an entry in ClinVar:

ClinVar aggregate classification (germline): Benign. Review status: criteria provided, multiple submitters, no conflicts (2 of 4 stars). 11 submissions from 11 submitters: Benign (8). 3 of the submissions do not count toward it. Last evaluated 2026-02-04.

Conditions:
Autosomal recessive nonsyndromic hearing loss 3. Also called: NEUROSENSORY NONSYNDROMIC RECESSIVE DEAFNESS 3. Identifiers: Orphanet 90636, MedGen C1838263, MONDO:0010860, OMIM 600316.

Allele frequency attached by ClinVar (database versions not stated): 1000 Genomes Project 0.68431; 1000 Genomes Project 30x 0.69144; ExAC 0.71307; gnomAD exomes 0.71688 and 0.73162; gnomAD 0.75409 and 0.76256; TOPMed 0.75811; ESP Exome Variant Server 0.76901.
gnomAD v4.1: 1,182,077 of 1,610,714 alleles (73%); highest among the groups gnomAD compares: African/African-American, 81%; 436,547 homozygotes.

Submissions (11):

Labcorp Genetics (formerly Invitae), Labcorp
Classification: Benign. Last evaluated: 2026-02-04. Review status: criteria provided, single submitter. Criteria: Invitae Variant Classification Sherloc (09022015). Collection method: clinical testing. Allele origin: germline.

Women's Health and Genetics/Laboratory Corporation of America, LabCorp
Classification: Benign. Last evaluated: 2026-01-08. Review status: criteria provided, single submitter. Criteria: LabCorp Variant Classification Summary - May 2015. Collection method: clinical testing. Allele origin: germline.

Genome-Nilou Lab
Classification: Benign for Autosomal recessive nonsyndromic hearing loss 3. Last evaluated: 2021-09-05. Review status: criteria provided, single submitter. Criteria: ACMG Guidelines, 2015. Collection method: clinical testing. Allele origin: germline. Affected: no.

GeneDx
Classification: Benign. Last evaluated: 2018-06-22. Review status: criteria provided, single submitter. Criteria: GeneDx Variant Classification Process June 2021. Collection method: clinical testing. Allele origin: germline. Affected: yes.

Illumina Laboratory Services, Illumina
Classification: Benign for Autosomal recessive nonsyndromic hearing loss 3. Last evaluated: 2018-01-13. Review status: criteria provided, single submitter. Criteria: ICSL Variant Classification Criteria 13 December 2019. Collection method: clinical testing. Allele origin: germline.
Comment: This variant was observed in the ICSL laboratory as part of a predisposition screen in an ostensibly healthy population. It had not been previously curated by ICSL or reported in the Human Gene Mutation Database (HGMD: prior to June 1st, 2018), and was therefore a candidate for classification through an automated scoring system. Utilizing variant allele frequency, disease prevalence and penetrance estimates, and inheritance mode, an automated score was calculated to assess if this variant is too frequent to cause the disease. Based on the score and internal cut-off values, a variant classified as benign is not then subjected to further curation. The score for this variant resulted in a classification of benign for this disease.

Laboratory for Molecular Medicine, Mass General Brigham Personalized Medicine
Classification: Benign. Last evaluated: 2012-05-07. Review status: criteria provided, single submitter. Criteria: LMM Criteria. Collection method: clinical testing. Allele origin: germline. Observed: 1,336 variant alleles.
Comment: 5826-12A>C in Intron 24 of MYO15A: This variant is not expected to have clinical significance because it has been identified in 24.7% (1665/6752) of European Am erican chromosomes from a broad population by the NHLBI Exome Sequencing Project (dbSNP rs854778).

Breakthrough Genomics
Classification: Benign. Review status: criteria provided, single submitter. Criteria: ACMG Guidelines, 2015. Collection method: not provided. Allele origin: germline. Inheritance: Autosomal recessive inheritance. Affected: yes.

PreventionGenetics, part of Exact Sciences
Classification: Benign. Review status: criteria provided, single submitter. Criteria: ACMG Guidelines, 2015. Collection method: clinical testing. Allele origin: germline.

Clinical Genetics DNA and cytogenetics Diagnostics Lab, Erasmus MC, Erasmus Medical Center
Classification: Benign. Review status: no assertion criteria provided. Collection method: clinical testing. Allele origin: germline. Affected: yes. Study: VKGL Data-share Consensus. Not counted in ClinVar's aggregate classification.

Diagnostic Laboratory, Department of Genetics, University Medical Center Groningen
Classification: Benign for Autosomal recessive nonsyndromic hearing loss 3. Review status: no assertion criteria provided. Collection method: clinical testing. Allele origin: germline. Affected: yes. Study: VKGL Data-share Consensus. Not counted in ClinVar's aggregate classification.

Joint Genome Diagnostic Labs from Nijmegen and Maastricht, Radboudumc and MUMC+
Classification: Benign. Review status: no assertion criteria provided. Collection method: clinical testing. Allele origin: germline. Affected: yes. Study: VKGL Data-share Consensus. Not counted in ClinVar's aggregate classification.

NM_016239.4(MYO15A):c.5826-12A>C

Gene: MYO15A (myosin XVA; plus strand). Cytogenetic location: 17p11.2.
Variant type: single nucleotide variant.
Coding change: c.5826-12A>C on transcript NM_016239.4 (MANE Select); 12 bases into the intron before coding-DNA position 5826, A replaced by C.
Molecular consequence: intron variant.
Genome position (GRCh38, 1-based): chr17:18,142,744, A>C. VCF-style: chr17-18142744-A-C. GRCh37 (hg19) VCF-style: chr17-18046058-A-C.
Identifiers: ClinVar variation 45751 (VCV000045751.29), dbSNP rs854778, ClinGen allele CA136995.